The following is an entry in ClinVar:

ClinVar aggregate classification (germline): Likely pathogenic (1 of 4 stars; one submission).

Conditions:
Glycogen storage disease type III (GSD3). Also called: FORBES DISEASE; Cori disease. Identifiers: Orphanet 366, MedGen C0017922, MONDO:0009291, OMIM 232400.

Allele frequency attached by ClinVar (database versions not stated): ExAC 0.00005.

Submission:

Labcorp Genetics (formerly Invitae), Labcorp
Classification: Likely pathogenic for Glycogen storage disease type III. Last evaluated: 2021-05-31. Review status: criteria provided, single submitter. Criteria: Invitae Variant Classification Sherloc (09022015). Collection method: clinical testing. Allele origin: germline.
Comment: This variant has not been reported in the literature in individuals with AGL-related conditions. Algorithms developed to predict the effect of sequence changes on RNA splicing suggest that this variant may disrupt the consensus splice site, but this prediction has not been confirmed by published transcriptional studies. In summary, the currently available evidence indicates that the variant is pathogenic, but additional data are needed to prove that conclusively. Therefore, this variant has been classified as Likely Pathogenic. This sequence change affects an acceptor splice site in intron 24 of the AGL gene. It is expected to disrupt RNA splicing. Variants that disrupt the donor or acceptor splice site typically lead to a loss of protein function (PMID: 16199547), and loss-of-function variants in AGL are known to be pathogenic (PMID: 19299494). The frequency data for this variant in the population databases is considered unreliable, as metrics indicate poor data quality at this position in the ExAC database.

Literature cited by the submitters: PubMed 16199547; PubMed 19299494.

NM_000642.3(AGL):c.3260-2A>T

Gene: AGL (amylo-alpha-1,6-glucosidase and 4-alpha-glucanotransferase; plus strand). Cytogenetic location: 1p21.2.
Variant type: single nucleotide variant.
Coding change: c.3260-2A>T on transcript NM_000642.3 (MANE Select); the canonical splice acceptor site of the intron before coding-DNA position 3260, A replaced by T.
Molecular consequence: splice acceptor variant.
Genome position (GRCh38, 1-based): chr1:99,896,284, A>T. VCF-style: chr1-99896284-A-T. GRCh37 (hg19) VCF-style: chr1-100361840-A-T.
Other names: c.3260-2A>T (NM_000028.3, NM_000643.3, NM_000644.3 and 1 more transcripts); c.3212-2A>T (NM_000646.3); c.3239-2A>T (NM_001425326.1); c.3059-2A>T (NM_001425327.1); c.3056-2A>T (NM_001425328.1); c.2921-2A>T (NM_001425329.1); c.2882-2A>T (NM_001425332.1).
Identifiers: ClinVar variation 1484299 (VCV001484299.8), dbSNP rs775904482, ClinGen allele CA967037.